The following is an entry in ClinVar:

ClinVar aggregate classification (germline): Conflicting classifications of pathogenicity. Review status: criteria provided, conflicting classifications (1 of 4 stars). 3 submissions from 3 submitters: Uncertain significance (1); Likely benign (2). Last evaluated 2026-02-01.

Conditions:
Neurodevelopmental disorder with or without early-onset generalized epilepsy. Identifiers: MedGen C5436914, MONDO:0030930, OMIM 619157.
Inborn genetic diseases. Identifiers: MedGen C0950123, MeSH D030342.

Allele frequency attached by ClinVar (database versions not stated): TOPMed 0.00001; gnomAD 0.00003; ExAC 0.00014; 1000 Genomes Project 30x 0.00016; 1000 Genomes Project 0.00020.
gnomAD v4.1: 124 of 1,613,518 alleles (0.0077%); highest among the groups gnomAD compares: South Asian, 0.12%; no homozygotes.

Submissions (3):

CeGaT Center for Human Genetics Tuebingen
Classification: Likely benign. Last evaluated: 2026-02-01. Review status: criteria provided, single submitter. Criteria: CeGaT Center For Human Genetics Tuebingen Variant Classification Criteria Version 2. Collection method: clinical testing. Allele origin: germline. Affected: yes. Observed: 1 variant allele.
Comment: NBEA: BS1

Ambry Genetics
Classification: Likely benign for Inborn genetic diseases. Last evaluated: 2024-01-02. Review status: criteria provided, single submitter. Criteria: Ambry Variant Classification Scheme 2023. Collection method: clinical testing. Allele origin: germline.

Revvity Omics, Revvity
Classification: Uncertain significance for Neurodevelopmental disorder with or without early-onset generalized epilepsy. Last evaluated: 2019-08-23. Review status: criteria provided, single submitter. Criteria: ACMG Guidelines, 2015. Collection method: clinical testing. Allele origin: germline.

NM_001385012.1(NBEA):c.3008T>C (p.Ile1003Thr)

Gene: NBEA (neurobeachin; plus strand). Cytogenetic location: 13q13.3.
Variant type: single nucleotide variant.
Coding change: c.3008T>C on transcript NM_001385012.1 (MANE Select); coding-DNA position 3008, T replaced by C.
Protein change: p.Ile1003Thr; replaces isoleucine 1003 with threonine.
Molecular consequence: missense variant.
Genome position (GRCh38, 1-based): chr13:35,159,179, T>C. VCF-style: chr13-35159179-T-C. GRCh37 (hg19) VCF-style: chr13-35733316-T-C.
Other names: c.3008T>C, p.Ile1003Thr (NM_001379245.1, NM_015678.5); short protein forms I1003T.
Identifiers: ClinVar variation 2434061 (VCV002434061.8), dbSNP rs534046290, ClinGen allele CA6946578.
Genomic context (GRCh38, chr13:35,159,179, plus strand): 5'-CCATCTCTGGTCTTTCATCACAGACAACAGGAGCAAAAGGTGGAATGGAAATTCGAGAGA[T>C]AGAAGATCTTTCACAAAGCCAGAGCCCAGAAAGTGAGACCGATTACCCTGTCAGCACAGA-3'
Protein context (NP_001371941.1, residues 993-1013): GAKGGMEIRE[Ile1003Thr]EDLSQSQSPE